The following is an entry in ClinVar:

ClinVar aggregate classification (germline): Conflicting classifications of pathogenicity. Review status: criteria provided, conflicting classifications (1 of 4 stars). 3 submissions from 3 submitters: Uncertain significance (2); Likely benign (1). Last evaluated 2026-07-07.

Conditions:
Hereditary cancer-predisposing syndrome. Also called: Hereditary Cancer Syndrome; Neoplastic Syndromes, Hereditary; Hereditary neoplastic syndrome; Tumor predisposition. Identifiers: Orphanet 140162, MedGen C0027672, MeSH D009386, MONDO:0015356.
Hereditary breast ovarian cancer syndrome. Also called: Breast and ovarian cancer; Hereditary breast and ovarian cancer syndrome; Hereditary breast and ovarian cancer syndrome (HBOC); Hereditary breast and ovarian cancer; Hereditary breast and/or ovarian cancer syndrome; BRCA1- and BRCA2-Associated Hereditary Breast and Ovarian Cancer. Identifiers: Orphanet 145, MedGen C0677776, MeSH D061325, MONDO:0003582. Disease mechanism: loss of function.

Submissions (3):

Ambry Genetics
Classification: Uncertain significance for Hereditary cancer-predisposing syndrome. Last evaluated: 2026-07-07. Review status: criteria provided, single submitter. Criteria: Ambry Variant Classification Scheme 2023. Collection method: clinical testing. Allele origin: germline.
Comment: The p.L1223P variant (also known as c.3668T>C), located in coding exon 9 of the BRCA1 gene, results from a T to C substitution at nucleotide position 3668. The leucine at codon 1223 is replaced by proline, an amino acid with similar properties. This amino acid position is conserved. In addition, this alteration is predicted to be deleterious by in silico analysis. Based on the available evidence, the clinical significance of this variant remains unclear.

University of Washington Department of Laboratory Medicine, University of Washington
Classification: Likely benign for Hereditary cancer-predisposing syndrome. Last evaluated: 2023-03-23. Review status: criteria provided, single submitter. Criteria: Dines et al. (Genet Med. 2020). Collection method: curation. Allele origin: germline.
Comment: Missense variant in a coldspot region where missense variants are very unlikely to be pathogenic (PMID:31911673).

BRCA1 coldspot (exon 11 using historical exon numbering). Reclassification based on statistical prior probability

Labcorp Genetics (formerly Invitae), Labcorp
Classification: Uncertain significance for Hereditary breast ovarian cancer syndrome. Last evaluated: 2021-01-16. Review status: criteria provided, single submitter. Criteria: Invitae Variant Classification Sherloc (09022015). Collection method: clinical testing. Allele origin: germline.
Comment: This sequence change replaces leucine with proline at codon 1223 of the BRCA1 protein (p.Leu1223Pro). The leucine residue is moderately conserved and there is a moderate physicochemical difference between leucine and proline. This variant is not present in population databases (ExAC no frequency). This variant has not been reported in the literature in individuals with BRCA1-related conditions. Algorithms developed to predict the effect of missense changes on protein structure and function are either unavailable or do not agree on the potential impact of this missense change (SIFT: "Deleterious"; PolyPhen-2: "Benign"; Align-GVGD: "Class C0"). In summary, the available evidence is currently insufficient to determine the role of this variant in disease. Therefore, it has been classified as a Variant of Uncertain Significance.

NM_007294.4(BRCA1):c.3668T>C (p.Leu1223Pro)

Genes: BRCA1 (BRCA1 DNA repair associated; minus strand), LOC126862571 (BRD4-independent group 4 enhancer GRCh37_chr17:41243136-41244335; plus strand). Cytogenetic location: 17q21.31.
Variant type: single nucleotide variant.
Coding change: c.3668T>C on transcript NM_007294.4 (MANE Select); coding-DNA position 3668, T replaced by C.
Protein change: p.Leu1223Pro; replaces leucine 1223 with proline.
Molecular consequence: missense variant. On other transcripts: intron variant (135).
Genome position (GRCh38, 1-based): chr17:43,091,863, A>G on the plus strand (T>C on the coding strand, the complement: BRCA1 is on the minus strand). VCF-style: chr17-43091863-A-G. GRCh37 (hg19) VCF-style: chr17-41243880-A-G.
Other names: c.3455T>C, p.Leu1152Pro (NM_001407571.1, NM_001407853.1, NM_001407894.1 and 9 more transcripts); c.3668T>C, p.Leu1223Pro (NM_001407581.1, NM_001407582.1, NM_001407583.1 and 30 more transcripts); c.3665T>C, p.Leu1222Pro (NM_001407587.1, NM_001407590.1, NM_001407591.1 and 22 more transcripts); c.3659T>C, p.Leu1220Pro (NM_001407646.1, NM_001407647.1); c.3545T>C, p.Leu1182Pro (NM_001407648.1, NM_001407664.1, NM_001407665.1 and 19 more transcripts); c.3542T>C, p.Leu1181Pro (NM_001407649.1, NM_001407670.1, NM_001407671.1 and 11 more transcripts); c.3590T>C, p.Leu1197Pro (NM_001407653.1, NM_001407654.1, NM_001407655.1 and 4 more transcripts); c.3587T>C, p.Leu1196Pro (NM_001407659.1, NM_001407660.1, NM_001407661.1 and 1 more transcripts); and 41 more; short protein forms L1223P, L1176P, L1096P, L1134P, L1153P, L1182P, L1152P, L1175P.
Identifiers: ClinVar variation 1365085 (VCV001365085.12), dbSNP rs2154295855, ClinGen allele CA10594632.
Genomic context (GRCh38, chr17:43,091,863, plus strand): 5'-CTAGTAGACTGAGAAGGTATATTGTTTACTTTACCAAATAACAAGTGTTGGAAGCAGGGA[A>G]GCTCTTCATCCTCACTAGATAAGTTCTCTTCTGAGGACTCTAATTTCTTGGCCCCTCTTC-3'
Protein context (NP_009225.1, residues 1213-1233): EENLSSEDEE[Leu1223Pro]PCFQHLLFGK